The following is an entry in ClinVar:

NM_020461.4(TUBGCP6):c.674A>G (p.Asp225Gly)

Gene: TUBGCP6 (tubulin gamma complex component 6; minus strand). Cytogenetic location: 22q13.33.
Variant type: single nucleotide variant.
Coding change: c.674A>G on transcript NM_020461.4 (MANE Select); coding-DNA position 674, A replaced by G.
Protein change: p.Asp225Gly; replaces aspartic acid 225 with glycine.
Molecular consequence: missense variant.
Genome position (GRCh38, 1-based): chr22:50,243,786, T>C on the plus strand (A>G on the coding strand, the complement: TUBGCP6 is on the minus strand). VCF-style: chr22-50243786-T-C. GRCh37 (hg19) VCF-style: chr22-50682215-T-C.
Other names: c.674A>G (NM_020461.3); short protein forms D225G.
Identifiers: ClinVar variation 1016425 (VCV001016425.9), dbSNP rs199898082, ClinGen allele CA10309004.
Genomic context (GRCh38, chr22:50,243,786, plus strand): 5'-GCCAGCCCAGAGAGGTCCGCATTGTCTGGCACGGGGGGCAGGCCCAGTCGGACGTCCATG[T>C]CATAAGTGCGGCTGTGCACAAGGGCCCCGAAGAGCGAGACCCGGGTGTCTCTCTCGAACC-3'
Protein context (NP_065194.3, residues 215-235): FGALVHSRTY[Asp225Gly]MDVRLGLPPV

ClinVar aggregate classification (germline): Conflicting classifications of pathogenicity. Review status: criteria provided, conflicting classifications (1 of 4 stars). 5 submissions from 5 submitters: Uncertain significance (2); Likely benign (2). 1 of the submissions does not count toward it. Last evaluated 2023-12-16.

Conditions:
Inborn genetic diseases. Identifiers: MedGen C0950123, MeSH D030342.
TUBGCP6-related disorder. Also called: TUBGCP6-related condition.

Allele frequency attached by ClinVar (database versions not stated): gnomAD exomes 0.00003 and 0.00007; ESP Exome Variant Server 0.00008; ExAC 0.00011; TOPMed 0.00030; gnomAD 0.00036 and 0.00039; 1000 Genomes Project 30x 0.00047; 1000 Genomes Project 0.00060.
gnomAD v4.1: 103 of 1,613,618 alleles (0.0064%); highest among the groups gnomAD compares: African/African-American, 0.13%; no homozygotes.

Submissions (5):

Ambry Genetics
Classification: Likely benign for Inborn genetic diseases. Last evaluated: 2023-12-16. Review status: criteria provided, single submitter. Criteria: Ambry Variant Classification Scheme 2023. Collection method: clinical testing. Allele origin: germline.

Labcorp Genetics (formerly Invitae), Labcorp
Classification: Uncertain significance. Last evaluated: 2023-11-28. Review status: criteria provided, single submitter. Criteria: Invitae Variant Classification Sherloc (09022015). Collection method: clinical testing. Allele origin: germline.
Comment: This sequence change replaces aspartic acid, which is acidic and polar, with glycine, which is neutral and non-polar, at codon 225 of the TUBGCP6 protein (p.Asp225Gly). This variant is present in population databases (rs199898082, gnomAD 0.1%). This variant has not been reported in the literature in individuals affected with TUBGCP6-related conditions. ClinVar contains an entry for this variant (Variation ID: 1016425). An algorithm developed to predict the effect of missense changes on protein structure and function (PolyPhen-2) suggests that this variant is likely to be disruptive. In summary, the available evidence is currently insufficient to determine the role of this variant in disease. Therefore, it has been classified as a Variant of Uncertain Significance.

GeneDx
Classification: Uncertain significance. Last evaluated: 2023-10-23. Review status: criteria provided, single submitter. Criteria: GeneDx Variant Classification Process June 2021. Collection method: clinical testing. Allele origin: germline. Affected: yes.
Comment: In silico analysis supports that this missense variant has a deleterious effect on protein structure/function; Has not been previously published as pathogenic or benign to our knowledge

Blueprint Genetics
Classification: Likely benign. Last evaluated: 2023-10-06. Review status: criteria provided, single submitter. Criteria: ACMG Guidelines, 2015. Collection method: clinical testing. Allele origin: germline.

PreventionGenetics, part of Exact Sciences
Classification: Uncertain significance for TUBGCP6-related condition. Last evaluated: 2024-01-05. Review status: no assertion criteria provided. Collection method: clinical testing. Allele origin: germline. Not counted in ClinVar's aggregate classification.
Comment: The TUBGCP6 c.674A>G variant is predicted to result in the amino acid substitution p.Asp225Gly. To our knowledge, this variant has not been reported in the literature. This variant is reported in 0.12% of alleles in individuals of African descent in gnomAD and is interpreted as uncertain in ClinVar. At this time, the clinical significance of this variant is uncertain due to the absence of conclusive functional and genetic evidence.